The following is an entry in ClinVar:

ClinVar aggregate classification (germline): Uncertain significance. Review status: criteria provided, multiple submitters, no conflicts (2 of 4 stars). 3 submissions from 3 submitters: Uncertain significance (3). Last evaluated 2024-09-17.

Conditions:
Wilson disease (WND). Also called: Wilson's disease. Identifiers: Orphanet 905, MedGen C0019202, MONDO:0010200, OMIM 277900. Disease mechanism: loss of function.

gnomAD v4.1: 8 of 1,614,012 alleles (0.0005%); highest among the groups gnomAD compares: Non-Finnish European, 0.00068%; no homozygotes.

Submissions (3):

All of Us Research Program, National Institutes of Health
Classification: Uncertain significance for Wilson disease. Last evaluated: 2024-09-17. Review status: criteria provided, single submitter. Criteria: ACMG Guidelines, 2015. Collection method: clinical testing. Allele origin: germline. Inheritance: Autosomal recessive inheritance. Observed: 3 variant alleles, 3 heterozygotes.
Comment: This missense variant replaces proline with serine at codon 840 of the ATP7B protein. Computational prediction suggests that this variant may have deleterious impact on protein structure and function (internally defined REVEL score threshold >= 0.7, PMID: 27666373). To our knowledge, functional studies have not been reported for this variant. This variant has not been reported in individuals affected with Wilson disease in the literature. This variant has not been identified in the general population by the Genome Aggregation Database (gnomAD). The available evidence is insufficient to determine the role of this variant in disease conclusively. Therefore, this variant is classified as a Variant of Uncertain Significance.

This study involves interpretation of variants in research participants for the purpose of population health screening. Participant phenotype was not available at the time of variant classification. Additional details can be found in publication PMID: 35346344, PMCID: PMC8962531

Color Diagnostics, LLC DBA Color Health
Classification: Uncertain significance for Wilson disease. Last evaluated: 2022-04-26. Review status: criteria provided, single submitter. Criteria: ACMG Guidelines, 2015. Collection method: clinical testing. Allele origin: germline.
Comment: This missense variant replaces proline with serine at codon 840 of the ATP7B protein. Computational prediction suggests that this variant may have deleterious impact on protein structure and function. To our knowledge, functional studies have not been reported for this variant. This variant has not been reported in individuals affected with Wilson disease in the literature. This variant has not been identified in the general population by the Genome Aggregation Database (gnomAD). The available evidence is insufficient to determine the role of this variant in disease conclusively. Therefore, this variant is classified as a Variant of Uncertain Significance.

Labcorp Genetics (formerly Invitae), Labcorp
Classification: Uncertain significance for Wilson disease. Last evaluated: 2022-03-27. Review status: criteria provided, single submitter. Criteria: Invitae Variant Classification Sherloc (09022015). Collection method: clinical testing. Allele origin: germline.
Comment: This sequence change replaces proline, which is neutral and non-polar, with serine, which is neutral and polar, at codon 840 of the ATP7B protein (p.Pro840Ser). This variant is not present in population databases (gnomAD no frequency). This variant has not been reported in the literature in individuals affected with ATP7B-related conditions. Advanced modeling of protein sequence and biophysical properties (such as structural, functional, and spatial information, amino acid conservation, physicochemical variation, residue mobility, and thermodynamic stability) performed at Invitae indicates that this missense variant is expected to disrupt ATP7B protein function. In summary, the available evidence is currently insufficient to determine the role of this variant in disease. Therefore, it has been classified as a Variant of Uncertain Significance.

NM_000053.4(ATP7B):c.2518C>T (p.Pro840Ser)

Gene: ATP7B (ATPase copper transporting beta; minus strand). Cytogenetic location: 13q14.3.
Variant type: single nucleotide variant.
Coding change: c.2518C>T on transcript NM_000053.4 (MANE Select); coding-DNA position 2518, C replaced by T.
Protein change: p.Pro840Ser; replaces proline 840 with serine.
Molecular consequence: missense variant.
Genome position (GRCh38, 1-based): chr13:51,950,329, G>A on the plus strand (C>T on the coding strand, the complement: ATP7B is on the minus strand). VCF-style: chr13-51950329-G-A. GRCh37 (hg19) VCF-style: chr13-52524465-G-A.
Other names: c.2278C>T, p.Pro760Ser (NM_001406530.1); c.2266C>T, p.Pro756Ser (NM_001406531.1, NM_001406532.1, NM_001330579.2 and 1 more transcripts); c.2284C>T, p.Pro762Ser (NM_001406534.1, NM_001330578.2, NM_001406538.1 and 2 more transcripts); c.2518C>T, p.Pro840Ser (NM_001406535.1, NM_001406511.1, NM_001406512.1 and 7 more transcripts); c.2188C>T, p.Pro730Ser (NM_001406536.1); c.2032C>T, p.Pro678Ser (NM_001005918.3, NM_001406541.1, NM_001406542.1 and 1 more transcripts); c.2185C>T, p.Pro729Ser (NM_001243182.2); c.2485C>T, p.Pro829Ser (NM_001406514.1); and 7 more; short protein forms P646S, P829S, P840S, P730S, P756S, P760S, P678S, P724S.
Identifiers: ClinVar variation 2203632 (VCV002203632.4), dbSNP rs1017756733, ClinGen allele CA388016266.
Genomic context (GRCh38, chr13:51,950,329, plus strand): 5'-CACCTGTGATGAGGGACTCATCAGCCATGGTATTGCCTTCCAGGACTTTCCCATCCACTG[G>A]AAACTTTCCCCCAGGGACCACCTTGACGATATCGCCCCGCTGCACCAGCTCCATGGGGAC-3'
Protein context (NP_000044.2, residues 830-850): IVKVVPGGKF[Pro840Ser]VDGKVLEGNT